The following is an entry in ClinVar:

ClinVar aggregate classification (germline): Uncertain significance (1 of 4 stars; one submission).

Allele frequency attached by ClinVar (database versions not stated): gnomAD exomes below 0.00001; gnomAD 0.00001; TOPMed 0.00001.
gnomAD v4.1: 7 of 1,599,284 alleles (0.00044%); highest among the groups gnomAD compares: Non-Finnish European, 0.00051%; no homozygotes.

Submission:

GeneDx
Classification: Uncertain significance. Last evaluated: 2021-12-16. Review status: criteria provided, single submitter. Criteria: GeneDx Variant Classification Process June 2021. Collection method: clinical testing. Allele origin: germline. Affected: yes.
Comment: Not observed in large population cohorts (Lek et al., 2016); In silico analysis supports that this missense variant does not alter protein structure/function; Has not been previously published as pathogenic or benign to our knowledge

NM_001170629.2(CHD8):c.605T>C (p.Phe202Ser)

Gene: CHD8 (chromodomain helicase DNA binding protein 8; minus strand). Cytogenetic location: 14q11.2.
Variant type: single nucleotide variant.
Coding change: c.605T>C on transcript NM_001170629.2 (MANE Select); coding-DNA position 605, T replaced by C.
Protein change: p.Phe202Ser; replaces phenylalanine 202 with serine.
Molecular consequence: missense variant. On other transcripts: intron variant (1).
Genome position (GRCh38, 1-based): chr14:21,431,039, A>G on the plus strand (T>C on the coding strand, the complement: CHD8 is on the minus strand). VCF-style: chr14-21431039-A-G. GRCh37 (hg19) VCF-style: chr14-21899198-A-G.
Other names: c.6+772T>C (NM_020920.4); short protein forms F202S.
Identifiers: ClinVar variation 1313171 (VCV001313171.3), dbSNP rs1384889551, ClinGen allele CA388887827.
Genomic context (GRCh38, chr14:21,431,039, plus strand): 5'-GTATTACCAGAGACAATGGAAACACCTGGTCGAAGGGGTGTGCCGGTTAGCACTTTGGTA[A>G]AAGTGACTTTTCCACCATTGGCTGTGCCTGCCACCAGGGGCTGAGCTGTGCTGGTGATAC-3'
Protein context (NP_001164100.1, residues 192-212): AGTANGGKVT[Phe202Ser]TKVLTGTPLR